The following is an entry in ClinVar:

ClinVar aggregate classification (germline): Uncertain significance (1 of 4 stars; one submission).

Conditions:
Bloom syndrome (BLM). Also called: Bloom-Torre-Machacek syndrome. Identifiers: Orphanet 125, MedGen C0005859, MONDO:0008876, OMIM 210900.

Submission:

Labcorp Genetics (formerly Invitae), Labcorp
Classification: Uncertain significance for Bloom syndrome. Last evaluated: 2021-09-14. Review status: criteria provided, single submitter. Criteria: Invitae Variant Classification Sherloc (09022015). Collection method: clinical testing. Allele origin: germline.
Comment: This sequence change replaces lysine with methionine at codon 1153 of the BLM protein (p.Lys1153Met). The lysine residue is moderately conserved and there is a moderate physicochemical difference between lysine and methionine. This variant is not present in population databases (ExAC no frequency). This variant has not been reported in the literature in individuals affected with BLM-related conditions. Algorithms developed to predict the effect of missense changes on protein structure and function are either unavailable or do not agree on the potential impact of this missense change (SIFT: "Deleterious"; PolyPhen-2: "Probably Damaging"; Align-GVGD: "Class C0"). In summary, the available evidence is currently insufficient to determine the role of this variant in disease. Therefore, it has been classified as a Variant of Uncertain Significance.

NM_000057.4(BLM):c.3458A>T (p.Lys1153Met)

Gene: BLM (BLM RecQ like helicase; plus strand). Cytogenetic location: 15q26.1.
Variant type: single nucleotide variant.
Coding change: c.3458A>T on transcript NM_000057.4 (MANE Select); coding-DNA position 3458, A replaced by T.
Protein change: p.Lys1153Met; replaces lysine 1153 with methionine.
Molecular consequence: missense variant. On other transcripts: intron variant (1).
Genome position (GRCh38, 1-based): chr15:90,803,620, A>T. VCF-style: chr15-90803620-A-T. GRCh37 (hg19) VCF-style: chr15-91346850-A-T.
Other names: c.3458A>T, p.Lys1153Met (NM_001287246.2); c.2333A>T, p.Lys778Met (NM_001287248.2); c.3358+5283A>T (NM_001287247.2); short protein forms K1153M, K778M.
Identifiers: ClinVar variation 937226 (VCV000937226.8), dbSNP rs1897216390, ClinGen allele CA393847640.